The following is an entry in ClinVar:

NM_000059.4(BRCA2):c.2854G>T (p.Ala952Ser)

Gene: BRCA2 (BRCA2 DNA repair associated; plus strand). Cytogenetic location: 13q13.1.
Variant type: single nucleotide variant.
Coding change: c.2854G>T on transcript NM_000059.4 (MANE Select); coding-DNA position 2854, G replaced by T.
Protein change: p.Ala952Ser; replaces alanine 952 with serine.
Molecular consequence: missense variant.
Genome position (GRCh38, 1-based): chr13:32,337,209, G>T. VCF-style: chr13-32337209-G-T. GRCh37 (hg19) VCF-style: chr13-32911346-G-T.
Other names: short protein forms A952S.
Identifiers: ClinVar variation 51361 (VCV000051361.20), dbSNP rs80358536, ClinGen allele CA016630.

ClinVar aggregate classification (germline): Conflicting classifications of pathogenicity. Review status: criteria provided, conflicting classifications (1 of 4 stars). 7 submissions from 7 submitters: Uncertain significance (4); Likely benign (2). 1 of the submissions does not count toward it. Last evaluated 2026-06-17.

Conditions:
Hereditary cancer-predisposing syndrome. Also called: Neoplastic Syndromes, Hereditary; Tumor predisposition; Hereditary neoplastic syndrome; Hereditary Cancer Syndrome. Identifiers: Orphanet 140162, MedGen C0027672, MeSH D009386, MONDO:0015356.
Hereditary breast ovarian cancer syndrome. Also called: Hereditary breast and ovarian cancer syndrome (HBOC); Hereditary breast and ovarian cancer syndrome; Breast and ovarian cancer; Hereditary breast and ovarian cancer; Hereditary breast and/or ovarian cancer syndrome; BRCA1- and BRCA2-Associated Hereditary Breast and Ovarian Cancer. Identifiers: Orphanet 145, MedGen C0677776, MeSH D061325, MONDO:0003582. Disease mechanism: loss of function.
Breast-ovarian cancer, familial, susceptibility to, 2 (BROVCA2). Also called: BRCA2 Hereditary Breast and Ovarian Cancer. Identifiers: Orphanet 145, MedGen C2675520, MONDO:0012933, OMIM 612555. Disease mechanism: loss of function.

Allele frequency attached by ClinVar (database versions not stated): gnomAD exomes below 0.00001; TOPMed 0.00001.
gnomAD v4.1: 1 of 1,613,250 alleles (0.000062%); highest among the groups gnomAD compares: Non-Finnish European, 0.000085%; no homozygotes.

Submissions (7):

Women's Health and Genetics/Laboratory Corporation of America, LabCorp
Classification: Uncertain significance. Last evaluated: 2026-06-17. Review status: criteria provided, single submitter. Criteria: LabCorp Variant Classification Summary - May 2015. Collection method: clinical testing. Allele origin: germline.
Comment: Variant summary: BRCA2 c.2854G>T (p.Ala952Ser) results in a conservative amino acid change in the encoded protein sequence. Algorithms developed to predict the effect of missense changes on protein structure and function all suggest that this variant is likely to be tolerated. The variant allele was found at a frequency of 4e-06 in 250164 control chromosomes. The available data on variant occurrences in the general population are insufficient to allow any conclusion about variant significance. To our knowledge, no occurrence of c.2854G>T in individuals affected with BRCA2-related conditions and no experimental evidence demonstrating its impact on protein function have been reported. ClinVar contains an entry for this variant (Variation ID: 51361). Based on the evidence outlined above, the variant was classified as uncertain significance.

Labcorp Genetics (formerly Invitae), Labcorp
Classification: Uncertain significance for Hereditary breast ovarian cancer syndrome. Last evaluated: 2026-01-04. Review status: criteria provided, single submitter. Criteria: Invitae Variant Classification Sherloc (09022015). Collection method: clinical testing. Allele origin: germline.
Comment: This sequence change replaces alanine, which is neutral and non-polar, with serine, which is neutral and polar, at codon 952 of the BRCA2 protein (p.Ala952Ser). This variant is present in population databases (rs80358536, gnomAD 0.0009%). This missense change has been observed in individual(s) with clinical features of BRCA2-related conditions (PMID: 10923033). ClinVar contains an entry for this variant (Variation ID: 51361). Invitae Evidence Modeling of protein sequence and biophysical properties (such as structural, functional, and spatial information, amino acid conservation, physicochemical variation, residue mobility, and thermodynamic stability) indicates that this missense variant is not expected to disrupt BRCA2 protein function with a negative predictive value of 95%. In summary, the available evidence is currently insufficient to determine the role of this variant in disease. Therefore, it has been classified as a Variant of Uncertain Significance.

Ambry Genetics
Classification: Likely benign for Hereditary cancer-predisposing syndrome. Last evaluated: 2024-02-12. Review status: criteria provided, single submitter. Criteria: Ambry Variant Classification Scheme 2023. Collection method: clinical testing. Allele origin: germline.

University of Washington Department of Laboratory Medicine, University of Washington
Classification: Likely benign for Hereditary cancer-predisposing syndrome. Last evaluated: 2023-03-23. Review status: criteria provided, single submitter. Criteria: Dines et al. (Genet Med. 2020). Collection method: curation. Allele origin: germline.
Comment: Missense variant in a coldspot region where missense variants are very unlikely to be pathogenic (PMID:31911673).

BRCA2 exon 11 coldspot. Reclassification based on statistical prior probability.

Quest Diagnostics Nichols Institute San Juan Capistrano
Classification: Uncertain significance. Last evaluated: 2019-07-16. Review status: criteria provided, single submitter. Criteria: Quest Diagnostics criteria. Collection method: clinical testing. Allele origin: germline.

Color Diagnostics, LLC DBA Color Health
Classification: Uncertain significance for Hereditary cancer-predisposing syndrome. Last evaluated: 2019-06-01. Review status: criteria provided, single submitter. Criteria: ACMG Guidelines, 2015. Collection method: clinical testing. Allele origin: germline.

Breast Cancer Information Core (BIC) (BRCA2)
Classification: Uncertain significance for Breast-ovarian cancer, familial 2. Last evaluated: 2003-12-23. Review status: no assertion criteria provided. Collection method: clinical testing. Allele origin: germline. Affected: yes. Observed: 1 variant allele. Not counted in ClinVar's aggregate classification.

Literature cited by the submitters: PubMed 10923033 (cited by Labcorp Genetics (formerly Invitae), Labcorp).